The following is an entry in ClinVar:

NM_015474.4(SAMHD1):c.625+1G>A

Gene: SAMHD1 (SAM and HD domain containing deoxynucleoside triphosphate triphosphohydrolase 1; minus strand). Cytogenetic location: 20q11.23.
Variant type: single nucleotide variant.
Coding change: c.625+1G>A on transcript NM_015474.4 (MANE Select); the canonical splice donor site of the intron after coding-DNA position 625, G replaced by A.
Molecular consequence: splice donor variant.
Genome position (GRCh38, 1-based): chr20:36,930,759, C>T on the plus strand (G>A on the coding strand, the complement: SAMHD1 is on the minus strand). VCF-style: chr20-36930759-C-T. GRCh37 (hg19) VCF-style: chr20-35559162-C-T.
Other names: c.625+1G>A (NM_001363729.2, NM_001363733.2).
Identifiers: ClinVar variation 800934 (VCV000800934.7), dbSNP rs1601141002, ClinGen allele CA408821953.

ClinVar aggregate classification (germline): Likely pathogenic. Review status: criteria provided, single submitter (1 of 4 stars). 2 submissions from 2 submitters: Likely pathogenic (1). 1 of the submissions does not count toward it. Last evaluated 2023-04-26.

Conditions:
Aicardi-Goutieres syndrome 5. Identifiers: Orphanet 51, MedGen C2749659, MONDO:0013059, OMIM 612952.

Allele frequency attached by ClinVar (database versions not stated): gnomAD exomes below 0.00001.
gnomAD v4.1: 2 of 1,599,418 alleles (0.00013%); highest among the groups gnomAD compares: Non-Finnish European, 0.000086%; no homozygotes.

Submissions (2):

Labcorp Genetics (formerly Invitae), Labcorp
Classification: Likely pathogenic for Aicardi-Goutieres syndrome 5. Last evaluated: 2023-04-26. Review status: criteria provided, single submitter. Criteria: Invitae Variant Classification Sherloc (09022015). Collection method: clinical testing. Allele origin: germline.
Comment: This variant is not present in population databases (gnomAD no frequency). This sequence change affects a donor splice site in intron 5 of the SAMHD1 gene. It is expected to disrupt RNA splicing. Variants that disrupt the donor or acceptor splice site typically lead to a loss of protein function (PMID: 16199547), and loss-of-function variants in SAMHD1 are known to be pathogenic (PMID: 19525956, 22461318). Disruption of this splice site has been observed in individual(s) with Aicardi-Goutieres syndrome (PMID: 28454995, 29239743). In summary, the currently available evidence indicates that the variant is pathogenic, but additional data are needed to prove that conclusively. Therefore, this variant has been classified as Likely Pathogenic. Algorithms developed to predict the effect of sequence changes on RNA splicing suggest that this variant may disrupt the consensus splice site. ClinVar contains an entry for this variant (Variation ID: 800934).

Biochemical Molecular Genetic Laboratory, King Abdulaziz Medical City
Classification: Likely pathogenic for Aicardi-Goutieres syndrome 5. Last evaluated: 2019-09-26. Review status: no assertion criteria provided. Collection method: clinical testing. Allele origin: germline. Affected: yes. Not counted in ClinVar's aggregate classification.

Literature cited by the submitters: PubMed 16199547 (cited by Labcorp Genetics (formerly Invitae), Labcorp); PubMed 19525956 (cited by Labcorp Genetics (formerly Invitae), Labcorp); PubMed 22461318 (cited by Labcorp Genetics (formerly Invitae), Labcorp); PubMed 28454995 (cited by Labcorp Genetics (formerly Invitae), Labcorp); PubMed 29239743 (cited by Labcorp Genetics (formerly Invitae), Labcorp).